The following is an entry in ClinVar:

NM_002578.5(PAK3):c.616G>A (p.Val206Met)

Gene: PAK3 (p21 (RAC1) activated kinase 3; plus strand). Cytogenetic location: Xq23.
Variant type: single nucleotide variant.
Coding change: c.616G>A on transcript NM_002578.5 (MANE Select); coding-DNA position 616, G replaced by A.
Protein change: p.Val206Met; replaces valine 206 with methionine.
Molecular consequence: missense variant. On other transcripts: non-coding transcript variant (2).
Genome position (GRCh38, 1-based): chrX:111,163,577, G>A. VCF-style: chrX-111163577-G-A. GRCh37 (hg19) VCF-style: chrX-110406805-G-A.
Other names: c.616G>A, p.Val206Met (NM_001128166.3, NM_001128167.3, NM_001324325.2 and 5 more transcripts); c.724G>A, p.Val242Met (NM_001128168.3); c.679G>A, p.Val227Met (NM_001128172.2); c.661G>A, p.Val221Met (NM_001128173.3, NM_001324327.2, NM_001324328.2 and 2 more transcripts); short protein forms V227M, V206M, V221M, V242M.
Identifiers: ClinVar variation 2956345 (VCV002956345.3), dbSNP rs749953063, ClinGen allele CA10492685.
Genomic context (GRCh38, chrX:111,163,577, plus strand): 5'-TCCTTGGCCTGCTGTTTTAATTGCAGAGCTTTTTGGTTTTTTTAGATCTATACTCGTTCT[G>A]TGGTTGAATCCATTGCTTCACCAGCAGTACCAAATAAAGAGGTCACACCACCCTCTGCTG-3'
Protein context (NP_002569.1, residues 196-216): EHTKSIYTRS[Val206Met]VESIASPAVP

ClinVar aggregate classification (germline): Uncertain significance (1 of 4 stars; one submission).

Allele frequency attached by ClinVar (database versions not stated): gnomAD exomes 0.00001; ExAC 0.00002; TOPMed 0.00002.

Submission:

Labcorp Genetics (formerly Invitae), Labcorp
Classification: Uncertain significance. Last evaluated: 2025-07-01. Review status: criteria provided, single submitter. Criteria: Invitae Variant Classification Sherloc (09022015). Collection method: clinical testing. Allele origin: germline.
Comment: This sequence change replaces valine, which is neutral and non-polar, with methionine, which is neutral and non-polar, at codon 206 of the PAK3 protein (p.Val206Met). This variant is present in population databases (rs749953063, gnomAD 0.02%), including at least one homozygous and/or hemizygous individual. This variant has not been reported in the literature in individuals affected with PAK3-related conditions. ClinVar contains an entry for this variant (Variation ID: 2956345). An algorithm developed to predict the effect of missense changes on protein structure and function (PolyPhen-2) suggests that this variant is likely to be tolerated. In summary, the available evidence is currently insufficient to determine the role of this variant in disease. Therefore, it has been classified as a Variant of Uncertain Significance.